The following is an entry in ClinVar:

ClinVar aggregate classification (germline): Likely benign. Review status: criteria provided, single submitter (1 of 4 stars). 2 submissions from 2 submitters: Likely benign (1). 1 of the submissions does not count toward it. Last evaluated 2023-10-01.

Conditions:
PYGL-related disorder. Also called: PYGL-related condition.

Allele frequency attached by ClinVar (database versions not stated): gnomAD exomes 0.00001; TOPMed 0.00001; ExAC 0.00002.
gnomAD v4.1: 13 of 1,603,598 alleles (0.00081%); highest among the groups gnomAD compares: Admixed American, 0.0017%; no homozygotes.

Submissions (2):

CeGaT Center for Human Genetics Tuebingen
Classification: Likely benign. Last evaluated: 2023-10-01. Review status: criteria provided, single submitter. Criteria: CeGaT Center For Human Genetics Tuebingen Variant Classification Criteria Version 2. Collection method: clinical testing. Allele origin: germline. Affected: yes. Observed: 1 variant allele.
Comment: PYGL: BP4, BP7

PreventionGenetics, part of Exact Sciences
Classification: Likely benign for PYGL-related condition. Last evaluated: 2024-03-12. Review status: no assertion criteria provided. Collection method: clinical testing. Allele origin: germline. Not counted in ClinVar's aggregate classification.
Comment: This variant is classified as likely benign based on ACMG/AMP sequence variant interpretation guidelines (Richards et al. 2015 PMID: 25741868, with internal and published modifications).

NM_002863.5(PYGL):c.2334C>T (p.Tyr778=)

Gene: PYGL (glycogen phosphorylase L; minus strand). Cytogenetic location: 14q22.1.
Variant type: single nucleotide variant.
Coding change: c.2334C>T on transcript NM_002863.5 (MANE Select); coding-DNA position 2334, C replaced by T.
Protein change: p.Tyr778=; no amino-acid change (tyrosine 778 retained).
Molecular consequence: synonymous variant.
Genome position (GRCh38, 1-based): chr14:50,908,316, G>A on the plus strand (C>T on the coding strand, the complement: PYGL is on the minus strand). VCF-style: chr14-50908316-G-A. GRCh37 (hg19) VCF-style: chr14-51375034-G-A.
Other names: c.2232C>T, p.Tyr744= (NM_001163940.2); c.2334C>T (NM_002863.4).
Identifiers: ClinVar variation 2644235 (VCV002644235.24), dbSNP rs754681161, ClinGen allele CA7183136.